The following is an entry in ClinVar:

NM_001375567.1(FOCAD):c.2539C>G (p.Gln847Glu)

Gene: FOCAD (focadhesin; plus strand). Cytogenetic location: 9p21.3.
Variant type: single nucleotide variant.
Coding change: c.2539C>G on transcript NM_001375567.1 (MANE Select); coding-DNA position 2539, C replaced by G.
Protein change: p.Gln847Glu; replaces glutamine 847 with glutamic acid.
Molecular consequence: missense variant.
Genome position (GRCh38, 1-based): chr9:20,885,144, C>G. VCF-style: chr9-20885144-C-G. GRCh37 (hg19) VCF-style: chr9-20885143-C-G.
Other names: c.2434C>G, p.Gln812Glu (NM_001375568.1, NM_001375570.1); c.2539C>G, p.Gln847Glu (NM_017794.5); short protein forms Q812E, Q847E.
Identifiers: ClinVar variation 3656511 (VCV003656511.3).

ClinVar aggregate classification (germline): Uncertain significance (1 of 4 stars; one submission).

gnomAD v4.1: 26 of 1,524,958 alleles (0.0017%); highest among the groups gnomAD compares: East Asian, 0.024%; 1 homozygote.

Submissions (2):

Labcorp Genetics (formerly Invitae), Labcorp
Classification: Uncertain significance. Last evaluated: 2025-05-04. Review status: criteria provided, single submitter. Criteria: Invitae Variant Classification Sherloc (09022015). Collection method: clinical testing. Allele origin: germline.
Comment: This sequence change replaces glutamine, which is neutral and polar, with glutamic acid, which is acidic and polar, at codon 847 of the FOCAD protein (p.Gln847Glu). This variant is present in population databases (rs772139442, gnomAD 0.05%). This variant has not been reported in the literature in individuals affected with FOCAD-related conditions. ClinVar contains an entry for this variant (Variation ID: 3656511). Experimental studies and prediction algorithms are not available or were not evaluated, and the functional significance of this variant is currently unknown. In summary, the available evidence is currently insufficient to determine the role of this variant in disease. Therefore, it has been classified as a Variant of Uncertain Significance.

Dr. Peter K. Rogan Lab, Western University
No classification provided (evidence only). Condition: Uterine corpus endometrial carcinoma. Review status: no classification provided. Collection method: in vitro. Allele origin: not applicable. Functional consequence: retained intron. Not counted in ClinVar's aggregate classification.